The following is an entry in ClinVar:

ClinVar aggregate classification (germline): Uncertain significance (1 of 4 stars; one submission).

Allele frequency attached by ClinVar (database versions not stated): gnomAD exomes below 0.00001; TOPMed below 0.00001.
gnomAD v4.1: 2 of 1,605,594 alleles (0.00012%); highest among the groups gnomAD compares: East Asian, 0.0022%; no homozygotes.

Submission:

Labcorp Genetics (formerly Invitae), Labcorp
Classification: Uncertain significance. Last evaluated: 2022-08-19. Review status: criteria provided, single submitter. Criteria: Invitae Variant Classification Sherloc (09022015). Collection method: clinical testing. Allele origin: germline.
Comment: This sequence change replaces glutamic acid, which is acidic and polar, with lysine, which is basic and polar, at codon 48 of the SNAP29 protein (p.Glu48Lys). This variant is not present in population databases (gnomAD no frequency). This variant has not been reported in the literature in individuals affected with SNAP29-related conditions. Algorithms developed to predict the effect of missense changes on protein structure and function are either unavailable or do not agree on the potential impact of this missense change (SIFT: "Tolerated"; PolyPhen-2: "Probably Damaging"; Align-GVGD: "Class C0"). In summary, the available evidence is currently insufficient to determine the role of this variant in disease. Therefore, it has been classified as a Variant of Uncertain Significance.

NM_004782.4(SNAP29):c.142G>A (p.Glu48Lys)

Gene: SNAP29 (synaptosome associated protein 29; plus strand). Cytogenetic location: 22q11.21.
Variant type: single nucleotide variant.
Coding change: c.142G>A on transcript NM_004782.4 (MANE Select); coding-DNA position 142, G replaced by A.
Protein change: p.Glu48Lys; replaces glutamic acid 48 with lysine.
Molecular consequence: missense variant.
Genome position (GRCh38, 1-based): chr22:20,859,252, G>A. VCF-style: chr22-20859252-G-A. GRCh37 (hg19) VCF-style: chr22-21213540-G-A.
Other names: short protein forms E48K.
Identifiers: ClinVar variation 2067032 (VCV002067032.1), dbSNP rs1928141345, ClinGen allele CA410772789.